The following is an entry in ClinVar:

ClinVar aggregate classification (germline): Pathogenic (1 of 4 stars; one submission).

Conditions:
Inflammatory skin and bowel disease, neonatal, 1. Identifiers: Orphanet 294023, MedGen C3280501, MONDO:0013693, OMIM 614328.

Submission:

Labcorp Genetics (formerly Invitae), Labcorp
Classification: Pathogenic for Inflammatory skin and bowel disease, neonatal, 1. Last evaluated: 2021-01-28. Review status: criteria provided, single submitter. Criteria: Invitae Variant Classification Sherloc (09022015). Collection method: clinical testing. Allele origin: germline.
Comment: This sequence change creates a premature translational stop signal (p.Cys525Leufs*4) in the ADAM17 gene. It is expected to result in an absent or disrupted protein product. Loss-of-function variants in ADAM17 are known to be pathogenic (PMID: 22010916, 25804906). This variant is not present in population databases (ExAC no frequency). This variant has not been reported in the literature in individuals with ADAM17-related conditions. For these reasons, this variant has been classified as Pathogenic.

Literature cited by the submitters: PubMed 22010916; PubMed 25804906.

NM_003183.6(ADAM17):c.1573dup (p.Cys525fs)

Genes: IAH1 (isoamyl acetate hydrolyzing esterase 1 (putative); plus strand), ADAM17 (ADAM metallopeptidase domain 17; minus strand). Cytogenetic location: 2p25.1.
Variant type: Duplication.
Coding change: c.1573dup on transcript NM_003183.6 (MANE Select); coding-DNA position 1573, one base duplicated (T; older notation c.1573dupT).
Protein change: p.Cys525fs; shifts the reading frame from cysteine 525.
Molecular consequence: frameshift variant.
Genome position (GRCh38, 1-based): chr2:9,502,248, A duplicated on the plus strand (T on the coding strand, the reverse complement: ADAM17 is on the minus strand). VCF-style (leftmost placement, unchanged base first): chr2-9502247-C-CA. GRCh37 (hg19) VCF-style: chr2-9642376-C-CA.
Other names: c.913dup, p.Cys305fs (NM_001382777.1); c.676dup, p.Cys226fs (NM_001382778.1); short protein forms C525fs, C226fs, C305fs.
Identifiers: ClinVar variation 1925904 (VCV001925904.2), dbSNP rs2531170933, ClinGen allele CA2580068143.
Genomic context (GRCh38, chr2:9,502,247, plus strand): 5'-ACGCCTTTGCAAGTAGCATTAATCGCCTCCTGGCACTTCTTCTGGGCAGTCTCAAACTGA[C>CA]AGTTTTTACAGCAAGGACTGTTCCTGTCACTGGAGAAGAACAGCAGACAGGAACAGAGCA-3'